The following is an entry in ClinVar:

ClinVar aggregate classification (germline): Uncertain significance (1 of 4 stars; one submission).

Conditions:
Inborn genetic diseases. Identifiers: MedGen C0950123, MeSH D030342.

Submission:

Ambry Genetics
Classification: Uncertain significance for Inborn genetic diseases. Last evaluated: 2025-11-30. Review status: criteria provided, single submitter. Criteria: Ambry Variant Classification Scheme 2023. Collection method: clinical testing. Allele origin: germline.
Comment: The p.W28C variant (also known as c.84G>T), located in coding exon 1 of the G6PC3 gene, results from a G to T substitution at nucleotide position 84. The tryptophan at codon 28 is replaced by cysteine, an amino acid with highly dissimilar properties. This amino acid position is conserved. In addition, the in silico prediction for this alteration is inconclusive. Based on the available evidence, the clinical significance of this variant remains unclear.

NM_138387.4(G6PC3):c.84G>T (p.Trp28Cys)

Genes: G6PC3 (glucose-6-phosphatase catalytic subunit 3; plus strand), LOC130060959 (ATAC-STARR-seq lymphoblastoid active region 12250; plus strand). Cytogenetic location: 17q21.31.
Variant type: single nucleotide variant.
Coding change: c.84G>T on transcript NM_138387.4 (MANE Select); coding-DNA position 84, G replaced by T.
Protein change: p.Trp28Cys; replaces tryptophan 28 with cysteine.
Molecular consequence: missense variant. On other transcripts: 5 prime UTR variant (3), intron variant (1).
Genome position (GRCh38, 1-based): chr17:44,071,049, G>T. VCF-style: chr17-44071049-G-T. GRCh37 (hg19) VCF-style: chr17-42148417-G-T.
Other names: c.84G>T, p.Trp28Cys (NM_001319945.2); c.-321G>T (NM_001384165.1); c.-456G>T (NM_001384166.1); c.-446G>T (NM_001384167.1); c.-312+335G>T (NM_001384168.1); short protein forms W28C.
Identifiers: ClinVar variation 4620526 (VCV004620526.1).
Genomic context (GRCh38, chr17:44,071,049, plus strand): 5'-CATCGTGATAGCCGAGGCGCTACAGAACCAGCTAGCCTGGCTGGAGAACGTGTGGCTCTG[G>T]ATCACCTTTCTGGGCGATCCCAAGATCCTCTTTCTGTTCTACTTCCCCGCGGCCTACTAC-3'
Protein context (NP_612396.1, residues 18-38): QLAWLENVWL[Trp28Cys]ITFLGDPKIL